The following is an entry in ClinVar:

ClinVar aggregate classification (germline): Uncertain significance (1 of 4 stars; one submission).

Conditions:
Charcot-Marie-Tooth disease axonal type 2C (HMSN2C). Also called: Charcot-Marie-Tooth Disease Type 2, TRPV4-Related (CMT2C); CHARCOT-MARIE-TOOTH DISEASE, AXONAL, AUTOSOMAL DOMINANT, TYPE 2C; Charcot-Marie-Tooth Neuropathy Type 2C. Identifiers: Orphanet 99937, MedGen C1853710, MONDO:0011633, OMIM 606071.

Submission:

Labcorp Genetics (formerly Invitae), Labcorp
Classification: Uncertain significance for Charcot-Marie-Tooth disease axonal type 2C. Last evaluated: 2020-08-27. Review status: criteria provided, single submitter. Criteria: Invitae Variant Classification Sherloc (09022015). Collection method: clinical testing. Allele origin: germline.
Comment: This sequence change replaces glutamine with glutamic acid at codon 387 of the TRPV4 protein (p.Gln387Glu). The glutamine residue is moderately conserved and there is a small physicochemical difference between glutamine and glutamic acid. This variant is not present in population databases (ExAC no frequency). This variant has not been reported in the literature in individuals with TRPV4-related conditions. Algorithms developed to predict the effect of missense changes on protein structure and function (SIFT, PolyPhen-2, Align-GVGD) all suggest that this variant is likely to be tolerated, but these predictions have not been confirmed by published functional studies and their clinical significance is uncertain. In summary, the available evidence is currently insufficient to determine the role of this variant in disease. Therefore, it has been classified as a Variant of Uncertain Significance.

NM_021625.5(TRPV4):c.1159C>G (p.Gln387Glu)

Gene: TRPV4 (transient receptor potential cation channel subfamily V member 4; minus strand). Cytogenetic location: 12q24.11.
Variant type: single nucleotide variant.
Coding change: c.1159C>G on transcript NM_021625.5 (MANE Select); coding-DNA position 1159, C replaced by G.
Protein change: p.Gln387Glu; replaces glutamine 387 with glutamic acid.
Molecular consequence: missense variant. On other transcripts: intron variant (2).
Genome position (GRCh38, 1-based): chr12:109,796,698, G>C on the plus strand (C>G on the coding strand, the complement: TRPV4 is on the minus strand). VCF-style: chr12-109796698-G-C. GRCh37 (hg19) VCF-style: chr12-110234503-G-C.
Other names: c.1018C>G, p.Gln340Glu (NM_001177428.2); c.1057C>G, p.Gln353Glu (NM_001177431.2); c.1011+1916C>G (NM_001177433.1); c.1152+1916C>G (NM_147204.2); short protein forms Q340E, Q353E, Q387E.
Identifiers: ClinVar variation 1023496 (VCV001023496.8), dbSNP rs1890422889, ClinGen allele CA386653965.
Genomic context (GRCh38, chr12:109,796,698, plus strand): 5'-TGAACTTGCGGGACAGGTGCCGTGTGTCCTCATCCGTCACCTCCCGCCGGATGATGTGCT[G>C]AAAGATCTGCACAGGGGGCCAGGAGGGTCAGGGGGCTCACACTGGAAAGACCCCCAGGGC-3'
Protein context (NP_067638.3, residues 377-397): AAKTGKIGIF[Gln387Glu]HIIRREVTDE